The following is an entry in ClinVar:

ClinVar aggregate classification (germline): Uncertain significance. Review status: criteria provided, multiple submitters, no conflicts (2 of 4 stars). 7 submissions from 7 submitters: Uncertain significance (7). Last evaluated 2025-11-24.

Conditions:
Familial adenomatous polyposis 3. Also called: NTHL1 Tumor Syndrome; NTHL1-related attenuated familial adenomatous polyposis; NTHL1-associated polyposis; NTHL1-Related Adenomatous Polyposis and Colorectal Cancer. Identifiers: Orphanet 220460, Orphanet 454840, MedGen C4225157, MONDO:0014630, OMIM 616415.
NTHL1-related disorder. Also called: NTHL1-related conditions; NTHL1-related condition.
Hereditary cancer-predisposing syndrome. Also called: Neoplastic Syndromes, Hereditary; Tumor predisposition; Hereditary neoplastic syndrome; Hereditary Cancer Syndrome. Identifiers: Orphanet 140162, MedGen C0027672, MeSH D009386, MONDO:0015356.

Allele frequency attached by ClinVar (database versions not stated): gnomAD 0.00001 and 0.00002; ExAC 0.00002; gnomAD exomes 0.00002 and 0.00006; TOPMed 0.00005.
gnomAD v4.1: 86 of 1,612,234 alleles (0.0053%); highest among the groups gnomAD compares: Non-Finnish European, 0.0067%; no homozygotes.

Submissions (9):

Labcorp Genetics (formerly Invitae), Labcorp
Classification: Uncertain significance. Last evaluated: 2025-11-24. Review status: criteria provided, single submitter. Criteria: Invitae Variant Classification Sherloc (09022015). Collection method: clinical testing. Allele origin: germline.
Comment: This sequence change replaces alanine, which is neutral and non-polar, with valine, which is neutral and non-polar, at codon 156 of the NTHL1 protein (p.Ala156Val). This variant is present in population databases (rs748576083, gnomAD 0.003%). This variant has not been reported in the literature in individuals affected with NTHL1-related conditions. ClinVar contains an entry for this variant (Variation ID: 643316). An algorithm developed to predict the effect of missense changes on protein structure and function (PolyPhen-2) suggests that this variant is likely to be tolerated. In summary, the available evidence is currently insufficient to determine the role of this variant in disease. Therefore, it has been classified as a Variant of Uncertain Significance.

PreventionGenetics, part of Exact Sciences
Classification: Uncertain significance for NTHL1-related condition. Last evaluated: 2025-10-24. Review status: criteria provided, single submitter. Criteria: ACMG Guidelines, 2015. Collection method: clinical testing. Allele origin: germline.
Comment: The NTHL1 c.467C>T variant is predicted to result in the amino acid substitution p.Ala156Val. To our knowledge, this variant has not been reported in the literature. This variant is reported in 0.0036% of alleles in individuals of European (Non-Finnish) descent in gnomAD, and it is classified as having uncertain clinical significance in ClinVar (Variation ID: 643316). At this time, the clinical significance of this variant is uncertain due to the absence of conclusive functional and genetic evidence.

Center for Genomic Medicine, Rigshospitalet, Copenhagen University Hospital
Classification: Uncertain significance. Last evaluated: 2025-03-04. Review status: criteria provided, single submitter. Criteria: ACMG Guidelines, 2015. Collection method: clinical testing. Allele origin: germline.

Quest Diagnostics Nichols Institute San Juan Capistrano
Classification: Uncertain significance. Last evaluated: 2025-02-20. Review status: criteria provided, single submitter. Criteria: Quest Diagnostics criteria. Collection method: clinical testing. Allele origin: unknown.
Comment: The NTHL1 c.467C>T (p.Ala156Val) variant has not been reported in individuals with NTHL1-related conditions in the published literature. The frequency of this variant in the general population (Genome Aggregation Database) is uninformative in the assessment of its pathogenicity. Analysis of this variant using bioinformatics tools for the prediction of the effect of amino acid changes on protein structure and function yielded predictions that this variant is benign. Additional analysis using software algorithms for the prediction of the effect of nucleotide changes on NTHL1 mRNA splicing yielded predictions that this variant may result in the gain of a cryptic splice site without affecting the natural splice sites. Based on the available information, we are unable to determine the clinical significance of this variant.

Ambry Genetics
Classification: Uncertain significance for Hereditary cancer-predisposing syndrome. Last evaluated: 2024-03-03. Review status: criteria provided, single submitter. Criteria: Ambry Variant Classification Scheme 2023. Collection method: clinical testing. Allele origin: germline.
Comment: The p.A156V variant (also known as c.467C>T), located in coding exon 3 of the NTHL1 gene, results from a C to T substitution at nucleotide position 467. The alanine at codon 156 is replaced by valine, an amino acid with similar properties. This amino acid position is not well conserved in available vertebrate species. In addition, this alteration is predicted to be tolerated by in silico analysis. Since supporting evidence is limited at this time, the clinical significance of this alteration remains unclear.

Baylor Genetics
Classification: Uncertain significance for Familial adenomatous polyposis 3. Last evaluated: 2024-02-08. Review status: criteria provided, single submitter. Criteria: ACMG Guidelines, 2015. Collection method: clinical testing. Allele origin: unknown.

GeneDx
Classification: Uncertain significance. Last evaluated: 2022-07-11. Review status: criteria provided, single submitter. Criteria: GeneDx Variant Classification Process June 2021. Collection method: clinical testing. Allele origin: germline. Affected: yes.
Comment: Not observed at a significant frequency in large population cohorts (gnomAD); In silico analysis supports that this missense variant does not alter protein structure/function; Has not been previously published as pathogenic or benign to our knowledge

Dr. Peter K. Rogan Lab, Western University
No classification provided (evidence only). Condition: Glioma susceptibility 1. Review status: no classification provided. Collection method: in vitro. Allele origin: not applicable. Functional consequence: retained intron. Not counted in ClinVar's aggregate classification.

Dr. Peter K. Rogan Lab, Western University
No classification provided (evidence only). Condition: Pancreatic adenocarcinoma. Review status: no classification provided. Collection method: in vitro. Allele origin: not applicable. Functional consequence: retained intron. Not counted in ClinVar's aggregate classification.

NM_002528.7(NTHL1):c.443C>T (p.Ala148Val)

Gene: NTHL1 (nth like DNA glycosylase 1; minus strand). Cytogenetic location: 16p13.3.
Variant type: single nucleotide variant.
Coding change: c.443C>T on transcript NM_002528.7 (MANE Select); coding-DNA position 443, C replaced by T.
Protein change: p.Ala148Val; replaces alanine 148 with valine.
Molecular consequence: missense variant. On other transcripts: intron variant (1).
Genome position (GRCh38, 1-based): chr16:2,044,712, G>A on the plus strand (C>T on the coding strand, the complement: NTHL1 is on the minus strand). VCF-style: chr16-2044712-G-A. GRCh37 (hg19) VCF-style: chr16-2094713-G-A.
Other names: c.443C>T, p.Ala148Val (LRG_1366t1); c.113C>T, p.Ala38Val (NM_001318194.2); c.355-986C>T (NM_001318193.2); short protein forms A148V, A38V.
Identifiers: ClinVar variation 643316 (VCV000643316.20), dbSNP rs748576083, ClinGen allele CA7828258.
Genomic context (GRCh38, chr16:2,044,712, plus strand): 5'-ATGAGCTTGCCCAGCGTGGCATCATCTGTCTGCAGGATGCTGTCCACCGTCAGGCCCCGC[G>A]CCCGCAGTCGCTGCATGGCGCCCGCCGTCACCTGGTCTTTGGTTTGGCTGGAGAGCATCA-3'
Protein context (NP_002519.2, residues 138-158): VTAGAMQRLR[Ala148Val]RGLTVDSILQ